The following is an entry in ClinVar:

NM_001378189.1(CFAP57):c.3443G>T (p.Arg1148Leu)

Genes: CFAP57 (cilia and flagella associated protein 57; plus strand), EBNA1BP2 (EBNA1 binding protein 2; minus strand), LOC105378685 (uncharacterized LOC105378685; minus strand). Cytogenetic location: 1p34.2.
Variant type: single nucleotide variant.
Coding change: c.3443G>T on transcript NM_001378189.1 (MANE Select); coding-DNA position 3443, G replaced by T.
Protein change: p.Arg1148Leu; replaces arginine 1148 with leucine.
Molecular consequence: missense variant.
Genome position (GRCh38, 1-based): chr1:43,243,264, G>T. VCF-style: chr1-43243264-G-T. GRCh37 (hg19) VCF-style: chr1-43708935-G-T.
Other names: c.3542G>T, p.Arg1181Leu (NM_001195831.3); short protein forms R1181L, R1148L.
Identifiers: ClinVar variation 4989255 (VCV004989255.1).

ClinVar aggregate classification (germline): Uncertain significance (1 of 4 stars; one submission).

Conditions:
CFAP57-related disorder. Also called: CFAP57-related condition.

gnomAD v4.1: 6 of 1,549,788 alleles (0.00039%); highest among the groups gnomAD compares: Admixed American, 0.0039%; no homozygotes.

Submission:

PreventionGenetics, part of Exact Sciences
Classification: Uncertain significance for CFAP57-related condition. Last evaluated: 2026-03-04. Review status: criteria provided, single submitter. Criteria: ACMG Guidelines, 2015. Collection method: clinical testing. Allele origin: germline.
Comment: The CFAP57 c.3542G>T variant is predicted to result in the amino acid substitution p.Arg1181Leu. To our knowledge, this variant has not been reported in the literature or in a large population database (gnomAD), indicating this variant is rare. At this time, the clinical significance of this variant is uncertain due to the absence of conclusive functional and genetic evidence.